The following is an entry in ClinVar:

NM_033028.5(BBS4):c.865G>T (p.Ala289Ser)

Gene: BBS4 (Bardet-Biedl syndrome 4; plus strand). Cytogenetic location: 15q24.1.
Variant type: single nucleotide variant.
Coding change: c.865G>T on transcript NM_033028.5 (MANE Select); coding-DNA position 865, G replaced by T.
Protein change: p.Ala289Ser; replaces alanine 289 with serine.
Molecular consequence: missense variant. On other transcripts: non-coding transcript variant (2).
Genome position (GRCh38, 1-based): chr15:72,731,555, G>T. VCF-style: chr15-72731555-G-T. GRCh37 (hg19) VCF-style: chr15-73023896-G-T.
Other names: c.349G>T, p.Ala117Ser (NM_001252678.2); c.796G>T, p.Ala266Ser (NM_001320665.2); short protein forms A266S, A117S, A289S.
Identifiers: ClinVar variation 4996910 (VCV004996910.1).
Genomic context (GRCh38, chr15:72,731,555, plus strand): 5'-ATGTGGTTATTGGGTCTGTTTAGCTTGCCCTTCTCATTGAGTGCCCCTTCTCTCTCATAG[G>T]CCATCAGCTGCCTGAAACGAGCCAACTACTTGGCACCCTTTGATTGGAAGATTCTGTATA-3'
Protein context (NP_149017.2, residues 279-299): CFFGKKKYVA[Ala289Ser]ISCLKRANYL

ClinVar aggregate classification (germline): Uncertain significance (1 of 4 stars; one submission).

Conditions:
BBS4-related disorder. Also called: BBS4-related condition.

gnomAD v4.1: 1 of 1,614,018 alleles (0.000062%); highest among the groups gnomAD compares: Admixed American, 0.0017%; no homozygotes.

Submission:

PreventionGenetics, part of Exact Sciences
Classification: Uncertain significance for BBS4-related condition. Last evaluated: 2026-07-31. Review status: criteria provided, single submitter. Criteria: ACMG Guidelines, 2015. Collection method: clinical testing. Allele origin: germline.
Comment: The BBS4 c.865G>T variant is predicted to result in the amino acid substitution p.Ala289Ser. To our knowledge, this variant has not been reported in the literature or in a large population database, indicating this variant is rare. At this time, the clinical significance of this variant is uncertain due to the absence of conclusive functional and genetic evidence.